The following is an entry in ClinVar:

NM_000368.5(TSC1):c.3223C>T (p.Pro1075Ser)

Gene: TSC1 (TSC complex subunit 1; minus strand). Cytogenetic location: 9q34.13.
Variant type: single nucleotide variant.
Coding change: c.3223C>T on transcript NM_000368.5 (MANE Select); coding-DNA position 3223, C replaced by T.
Protein change: p.Pro1075Ser; replaces proline 1075 with serine.
Molecular consequence: missense variant.
Genome position (GRCh38, 1-based): chr9:132,896,507, G>A on the plus strand (C>T on the coding strand, the complement: TSC1 is on the minus strand). VCF-style: chr9-132896507-G-A. GRCh37 (hg19) VCF-style: chr9-135771894-G-A.
Other names: c.3220C>T, p.Pro1074Ser (NM_001162426.2); c.3070C>T, p.Pro1024Ser (NM_001162427.2); c.2860C>T, p.Pro954Ser (NM_001362177.2); short protein forms P1024S, P1074S, P1075S, P954S.
Identifiers: ClinVar variation 1022685 (VCV001022685.11), dbSNP rs1845058768, ClinGen allele CA375366955.

ClinVar aggregate classification (germline): Uncertain significance. Review status: criteria provided, multiple submitters, no conflicts (2 of 4 stars). 3 submissions from 3 submitters: Uncertain significance (3). Last evaluated 2025-02-02.

Conditions:
Hereditary cancer-predisposing syndrome. Also called: Hereditary neoplastic syndrome; Neoplastic Syndromes, Hereditary; Tumor predisposition; Hereditary Cancer Syndrome. Identifiers: Orphanet 140162, MedGen C0027672, MeSH D009386, MONDO:0015356.
Tuberous sclerosis 1 (TSC1). Identifiers: Orphanet 805, MedGen C1854465, MONDO:0008612, OMIM 191100.

Submissions (3):

Ambry Genetics
Classification: Uncertain significance for Hereditary cancer-predisposing syndrome. Last evaluated: 2025-02-02. Review status: criteria provided, single submitter. Criteria: Ambry Variant Classification Scheme 2023. Collection method: clinical testing. Allele origin: germline.
Comment: The p.P1075S variant (also known as c.3223C>T), located in coding exon 21 of the TSC1 gene, results from a C to T substitution at nucleotide position 3223. The proline at codon 1075 is replaced by serine, an amino acid with similar properties. This amino acid position is conserved. In addition, the in silico prediction for this alteration is inconclusive. Based on the available evidence, the clinical significance of this variant remains unclear.

Labcorp Genetics (formerly Invitae), Labcorp
Classification: Uncertain significance for Tuberous sclerosis 1. Last evaluated: 2024-12-12. Review status: criteria provided, single submitter. Criteria: Invitae Variant Classification Sherloc (09022015). Collection method: clinical testing. Allele origin: germline.
Comment: This sequence change replaces proline, which is neutral and non-polar, with serine, which is neutral and polar, at codon 1075 of the TSC1 protein (p.Pro1075Ser). This variant is not present in population databases (gnomAD no frequency). This variant has not been reported in the literature in individuals affected with TSC1-related conditions. ClinVar contains an entry for this variant (Variation ID: 1022685). Invitae Evidence Modeling of protein sequence and biophysical properties (such as structural, functional, and spatial information, amino acid conservation, physicochemical variation, residue mobility, and thermodynamic stability) indicates that this missense variant is not expected to disrupt TSC1 protein function with a negative predictive value of 95%. In summary, the available evidence is currently insufficient to determine the role of this variant in disease. Therefore, it has been classified as a Variant of Uncertain Significance.

Sema4
Classification: Uncertain significance for Hereditary cancer-predisposing syndrome. Last evaluated: 2022-02-10. Review status: criteria provided, single submitter. Criteria: Sema4 Curation Guidelines. Collection method: curation. Allele origin: germline.
Comment: The TSC1 c.3223C>T (p.P1075S) variant has has not been reported in individuals with TSC1-related disease. This variant was not reported in the population database Genome Aggregation Database (PMID: 32461654). This variant has been reported in ClinVar (Variation ID: 1022685). Functional studies have not been performed, and in silico predictions of the variant's effect on protein function are inconclusive. The evidence is insufficient to meet ACMG/AMP criteria for classifying the variant as benign or pathogenic. Thus, the clinical significance of this variant is currently uncertain.